The following is an entry in ClinVar:

ClinVar aggregate classification (germline): Pathogenic (1 of 4 stars; one submission).

Submission:

GeneDx
Classification: Pathogenic. Last evaluated: 2017-12-19. Review status: criteria provided, single submitter. Criteria: GeneDx Variant Classification (06012015). Collection method: clinical testing. Allele origin: germline. Affected: yes.
Comment: The W892X variant in the SIN3A gene has not been reported previously as a pathogenic variant nor as a benign variant, to our knowledge. This variant is predicted to cause loss of normal protein function either through protein truncation or nonsense-mediated mRNA decay. The W892X variant is not observed in large population cohorts (Lek et al., 2016). We interpret W892X as a pathogenic variant.

NM_001145358.2(SIN3A):c.2675G>A (p.Trp892Ter)

Gene: SIN3A (SIN3 transcription regulator family member A; minus strand). Cytogenetic location: 15q24.2.
Variant type: single nucleotide variant.
Coding change: c.2675G>A on transcript NM_001145358.2 (MANE Select); coding-DNA position 2675, G replaced by A.
Protein change: p.Trp892Ter; replaces tryptophan 892 with a stop codon.
Molecular consequence: nonsense.
Genome position (GRCh38, 1-based): chr15:75,392,418, C>T on the plus strand (G>A on the coding strand, the complement: SIN3A is on the minus strand). VCF-style: chr15-75392418-C-T. GRCh37 (hg19) VCF-style: chr15-75684759-C-T.
Other names: c.2675G>A, p.Trp892Ter (NM_001145357.2, NM_015477.3); short protein forms W892*.
Identifiers: ClinVar variation 489258 (VCV000489258.2), dbSNP rs1555443627, ClinGen allele CA393490694.